The following is an entry in ClinVar:

NM_182931.3(KMT2E):c.1518T>C (p.Asn506=)

Gene: KMT2E (lysine methyltransferase 2E (inactive); plus strand). Cytogenetic location: 7q22.3.
Variant type: single nucleotide variant.
Coding change: c.1518T>C on transcript NM_182931.3 (MANE Select); coding-DNA position 1518, T replaced by C.
Protein change: p.Asn506=; no amino-acid change (asparagine 506 retained).
Molecular consequence: synonymous variant.
Genome position (GRCh38, 1-based): chr7:105,090,168, T>C. VCF-style: chr7-105090168-T-C. GRCh37 (hg19) VCF-style: chr7-104730615-T-C.
Other names: c.1518T>C (NM_182931.2); c.1518T>C, p.Asn506= (NM_001410908.1, NM_018682.4).
Identifiers: ClinVar variation 2039668 (VCV002039668.10), dbSNP rs193092945, ClinGen allele CA4424012.

ClinVar aggregate classification (germline): Benign/Likely benign. Review status: criteria provided, multiple submitters, no conflicts (2 of 4 stars). 3 submissions from 3 submitters: Benign (1); Likely benign (1). 1 of the submissions does not count toward it. Last evaluated 2026-09-01.

Conditions:
KMT2E-related disorder. Also called: KMT2E-related condition.

Allele frequency attached by ClinVar (database versions not stated): gnomAD 0.00024; gnomAD exomes 0.00028; TOPMed 0.00053; 1000 Genomes Project 0.00080; 1000 Genomes Project 30x 0.00109; ExAC 0.00124.
gnomAD v4.1: 438 of 1,612,996 alleles (0.027%); highest among the groups gnomAD compares: Admixed American, 0.72%; 7 homozygotes.

Submissions (3):

CeGaT Center for Human Genetics Tuebingen
Classification: Likely benign. Last evaluated: 2026-09-01. Review status: criteria provided, single submitter. Criteria: CeGaT Center For Human Genetics Tuebingen Variant Classification Criteria Version 2. Collection method: clinical testing. Allele origin: germline. Affected: yes. Observed: 5 variant alleles.
Comment: KMT2E: BP4, BS1

Labcorp Genetics (formerly Invitae), Labcorp
Classification: Benign. Last evaluated: 2026-01-28. Review status: criteria provided, single submitter. Criteria: Invitae Variant Classification Sherloc (09022015). Collection method: clinical testing. Allele origin: germline.

PreventionGenetics, part of Exact Sciences
Classification: Benign for KMT2E-related condition. Last evaluated: 2022-11-09. Review status: no assertion criteria provided. Collection method: clinical testing. Allele origin: germline. Not counted in ClinVar's aggregate classification.
Comment: This variant is classified as benign based on ACMG/AMP sequence variant interpretation guidelines (Richards et al. 2015 PMID: 25741868, with internal and published modifications).